The following is an entry in ClinVar:

NM_006516.4(SLC2A1):c.653G>A (p.Arg218His)

Gene: SLC2A1 (solute carrier family 2 member 1; minus strand). Cytogenetic location: 1p34.2.
Variant type: single nucleotide variant.
Coding change: c.653G>A on transcript NM_006516.4 (MANE Select); coding-DNA position 653, G replaced by A.
Protein change: p.Arg218His; replaces arginine 218 with histidine.
Molecular consequence: missense variant.
Genome position (GRCh38, 1-based): chr1:42,929,899, C>T on the plus strand (G>A on the coding strand, the complement: SLC2A1 is on the minus strand). VCF-style: chr1-42929899-C-T. GRCh37 (hg19) VCF-style: chr1-43395570-C-T.
Other names: short protein forms R218H.
Identifiers: ClinVar variation 546093 (VCV000546093.21), dbSNP rs374080633, ClinGen allele CA803486.

ClinVar aggregate classification (germline): Conflicting classifications of pathogenicity. Review status: criteria provided, conflicting classifications (1 of 4 stars). 6 submissions from 5 submitters: Likely pathogenic (1); Uncertain significance (1); Benign (2); Likely benign (2). Last evaluated 2025-12-31.

Conditions:
Inborn genetic diseases. Identifiers: MedGen C0950123, MeSH D030342.
Dystonia 9 (DYT9). Also called: CHOREOATHETOSIS, KINESIGENIC, WITH EPISODIC ATAXIA AND SPASTICITY. Identifiers: Orphanet 53583, MedGen C1832855, MONDO:0010983, OMIM 601042.
Encephalopathy due to GLUT1 deficiency. Also called: GLUT1 deficiency syndrome 1, infantile onset, severe; De Vivo disease; GLUT1 deficiency syndrome 1; Classic Glucose Transporter Type 1 Deficiency Syndrome; GLUCOSE TRANSPORT DEFECT, BLOOD-BRAIN BARRIER; Glucose transporter protein syndrome. Identifiers: Orphanet 71277, MedGen C4551966, MONDO:0011724, OMIM 606777.
GLUT1 deficiency syndrome 1, autosomal recessive. Identifiers: MedGen C3149117.
SLC2A1-related disorder. Also called: SLC2A1-related condition; SLC2A1-related disorders.

Allele frequency attached by ClinVar (database versions not stated): TOPMed 0.00002; gnomAD 0.00004; gnomAD exomes 0.00007.
gnomAD v4.1: 72 of 1,613,944 alleles (0.0045%); highest among the groups gnomAD compares: Non-Finnish European, 0.0014%; no homozygotes.

Submissions (6):

Labcorp Genetics (formerly Invitae), Labcorp
Classification: Likely pathogenic for GLUT1 deficiency syndrome 1, autosomal recessive. Last evaluated: 2025-12-31. Review status: criteria provided, single submitter. Criteria: Invitae Variant Classification Sherloc (09022015). Collection method: clinical testing. Allele origin: germline.
Comment: This sequence change replaces arginine, which is basic and polar, with histidine, which is basic and polar, at codon 218 of the SLC2A1 protein (p.Arg218His). This variant is present in population databases (rs374080633, gnomAD 0.1%). This missense change has been observed in individual(s) with autosomal recessive GLUT1 deficiency (PMID: 31196579). This variant has been reported in individual(s) with clinical features of autosomal dominant GLUT1 deficiency (PMID: 23340081, 16217704, 26193382); however, the role of the variant in this condition is currently unclear. ClinVar contains an entry for this variant (Variation ID: 546093). Invitae Evidence Modeling incorporating data from in vitro experimental studies (internal data) did not meet the statistical confidence thresholds required to predict the impact of this variant on SLC2A1 function. In summary, the currently available evidence indicates that the variant is pathogenic, but additional data are needed to prove that conclusively. Therefore, this variant has been classified as Likely Pathogenic.

PreventionGenetics, part of Exact Sciences
Classification: Uncertain significance for SLC2A1-related condition. Last evaluated: 2025-10-07. Review status: criteria provided, single submitter. Criteria: ACMG Guidelines, 2015. Collection method: clinical testing. Allele origin: germline.
Comment: The SLC2A1 c.653G>A variant is predicted to result in the amino acid substitution p.Arg218His. This variant has been reported in a heterozygous state in individuals with suspected Glucose transporter type 1 (GLUT1) deficiency syndrome (Klepper et al.2005. PubMed ID: 16217704; Leen et al. 2010. PubMed ID: 20129935; Heussinger et al. 2018. PubMed ID: 29199027); however, the role of the variant in this condition is currently unclear as reported phenotypes were limited. This variant has been noted as paternally-inherited in the compound heterozygous state in a patient with reported autosomal recessive GLUT1 deficiency (Dozières-Puyravel et al. 2019. PubMed ID: 31196579). This variant has been reported in a cis (on the opposite allele) with a pathogenic variant (c.1372C>T; p.Arg458Trp) in four symptomatic family members with GLUT1 deficiency, but was observed alone (heterozygous) in seven unaffected family members (Tzadok et al. 2013. PubMed ID: 23340081). This variant was noted in the compound heterozygous state with c.589G>C (p.Ala197Pro) in an individual with hypotonia and abnormal ocular movements; phase was confirmed via testing of the asymptomatic parents (Hully et al. 2015. PubMed ID: 26193382). The variant is reported in 0.11% of alleles in individuals of Ashkenazi Jewish descent, 0.016% in Finnish Europeans, and 0.0031% in non-Finnish Europeans in gnomAD. This variant has conflicting classifications listed in ClinVar ranging from benign to likely pathogenic (Variation ID: 546093). Although we suspect that this variant may be pathogenic, at this time, the clinical significance of this variant is uncertain due to the absence of conclusive functional and genetic evidence.

Ambry Genetics
Classification: Likely benign for Inborn genetic diseases. Last evaluated: 2024-12-24. Review status: criteria provided, single submitter. Criteria: Ambry Variant Classification Scheme 2023. Collection method: clinical testing. Allele origin: germline.

GeneDx
Classification: Likely benign. Last evaluated: 2019-02-18. Review status: criteria provided, single submitter. Criteria: GeneDx Variant Classification Process June 2021. Collection method: clinical testing. Allele origin: germline. Affected: yes.
Comment: This variant is associated with the following publications: (PMID: 20630673, 29199027, 20129935, 17718830, 18387950, 23340081, 16217704, 31196579)

Illumina Laboratory Services, Illumina
Classification: Benign for Dystonia 9. Last evaluated: 2018-01-16. Review status: criteria provided, single submitter. Criteria: ICSL Variant Classification Criteria 13 December 2019. Collection method: clinical testing. Allele origin: germline.
Comment: This variant was observed as part of a predisposition screen in an ostensibly healthy population. A literature search was performed for the gene, cDNA change, and amino acid change (where applicable). No publications were found based on this search. Allele frequency data from public databases was too high to be consistent with this variant causing disease. Therefore, this variant is classified as benign.

Illumina Laboratory Services, Illumina
Classification: Benign for Encephalopathy due to GLUT1 deficiency. Last evaluated: 2018-01-16. Review status: criteria provided, single submitter. Criteria: ICSL Variant Classification Criteria 13 December 2019. Collection method: clinical testing. Allele origin: germline.
Comment: This variant was observed as part of a predisposition screen in an ostensibly healthy population. A literature search was performed for the gene, cDNA change, and amino acid change (where applicable). Publications were found based on this search. The evidence from the literature, in combination with allele frequency data from public databases where available, was sufficient to rule this variant out of causing disease. Therefore, this variant is classified as benign.

Literature cited by the submitters: PubMed 31196579 (cited by Labcorp Genetics (formerly Invitae), Labcorp); PubMed 23340081 (cited by 3 submitters); PubMed 16217704 (cited by 3 submitters); PubMed 26193382 (cited by 3 submitters); PubMed 20129935 (cited by Ambry Genetics).